The following is an entry in ClinVar:

ClinVar aggregate classification (germline): Benign. Review status: criteria provided, multiple submitters, no conflicts (2 of 4 stars). 3 submissions from 3 submitters: Benign (3). Last evaluated 2023-11-12.

Allele frequency attached by ClinVar (database versions not stated): TOPMed 0.47480; 1000 Genomes Project 30x 0.41427; 1000 Genomes Project 0.41573; ESP Exome Variant Server 0.51330.
gnomAD v4.1: 954,429 of 1,587,842 alleles (60%); highest among the groups gnomAD compares: Non-Finnish European, 64%; 296,239 homozygotes.

Submissions (3):

Unidad de Genómica Garrahan, Hospital de Pediatría Garrahan
Classification: Benign. Last evaluated: 2023-11-12. Review status: criteria provided, single submitter. Criteria: ACMG Guidelines, 2015. Collection method: clinical testing. Allele origin: germline. Affected: no. Observed: 70 variant alleles.
Comment: This variant is classified as Benign based on local population frequency. This variant was detected in 73% of patients studied by a panel of primary immunodeficiencies. Number of patients: 70. Only high quality variants are reported.

GeneDx
Classification: Benign. Last evaluated: 2018-06-23. Review status: criteria provided, single submitter. Criteria: GeneDx Variant Classification Process June 2021. Collection method: clinical testing. Allele origin: germline. Affected: yes.

Breakthrough Genomics
Classification: Benign. Review status: criteria provided, single submitter. Criteria: ACMG Guidelines, 2015. Collection method: not provided. Allele origin: germline. Inheritance: Unknown mechanism. Affected: yes.

NM_024782.3(NHEJ1):c.178-29C>G

Gene: NHEJ1 (non-homologous end joining factor 1; minus strand). Cytogenetic location: 2q35.
Variant type: single nucleotide variant.
Coding change: c.178-29C>G on transcript NM_024782.3 (MANE Select); 29 bases into the intron before coding-DNA position 178, C replaced by G.
Molecular consequence: intron variant.
Genome position (GRCh38, 1-based): chr2:219,157,713, G>C on the plus strand (C>G on the coding strand, the complement: NHEJ1 is on the minus strand). VCF-style: chr2-219157713-G-C. GRCh37 (hg19) VCF-style: chr2-220022435-G-C.
Other names: c.178-29C>G (NM_001377499.1, NM_001377498.1).
Identifiers: ClinVar variation 1254956 (VCV001254956.5), dbSNP rs2030452, ClinGen allele CA2117067.